The following is an entry in ClinVar:

NM_001134831.2(AHI1):c.2573T>C (p.Leu858Pro)

Gene: AHI1 (Abelson helper integration site 1; minus strand). Cytogenetic location: 6q23.3.
Variant type: single nucleotide variant.
Coding change: c.2573T>C on transcript NM_001134831.2 (MANE Select); coding-DNA position 2573, T replaced by C.
Protein change: p.Leu858Pro; replaces leucine 858 with proline.
Molecular consequence: missense variant.
Genome position (GRCh38, 1-based): chr6:135,428,679, A>G on the plus strand (T>C on the coding strand, the complement: AHI1 is on the minus strand). VCF-style: chr6-135428679-A-G. GRCh37 (hg19) VCF-style: chr6-135749817-A-G.
Other names: c.2573T>C, p.Leu858Pro (NM_001134830.2, NM_001134832.2, NM_001350503.2 and 2 more transcripts); short protein forms L858P.
Identifiers: ClinVar variation 813946 (VCV000813946.1), dbSNP rs1583187059, ClinGen allele CA365742185.

ClinVar aggregate classification (germline): Uncertain significance (1 of 4 stars; one submission).

Conditions:
Joubert syndrome 3 (JBTS3). Also called: AHI1-related Ciliopathy. Identifiers: Orphanet 220493, MedGen C1837713, MONDO:0012078, OMIM 608629.

Submission:

Broad Center for Mendelian Genomics, Broad Institute of MIT and Harvard
Classification: Uncertain significance for Joubert syndrome 3. Last evaluated: 2018-12-03. Review status: criteria provided, single submitter. Criteria: ACMG Guidelines, 2015. Collection method: research. Allele origin: germline. Inheritance: Autosomal recessive inheritance. Affected: yes.
Comment: This variant was absent from large population studies. Computational prediction tools and conservation analyses suggest that this variant may impact the protein, though this information is not predictive enough to determine pathogenicity. In summary, this clinical significance of the p.Leu858Pro variant is uncertain. ACMG/AMP Criteria applied: PM2, PP3 (Richards 2015).